The following is an entry in ClinVar:

NM_014795.4(ZEB2):c.2011T>C (p.Ser671Pro)

Gene: ZEB2 (zinc finger E-box binding homeobox 2; minus strand). Cytogenetic location: 2q22.3.
Variant type: single nucleotide variant.
Coding change: c.2011T>C on transcript NM_014795.4 (MANE Select); coding-DNA position 2011, T replaced by C.
Protein change: p.Ser671Pro; replaces serine 671 with proline.
Molecular consequence: missense variant.
Genome position (GRCh38, 1-based): chr2:144,399,176, A>G on the plus strand (T>C on the coding strand, the complement: ZEB2 is on the minus strand). VCF-style: chr2-144399176-A-G. GRCh37 (hg19) VCF-style: chr2-145156743-A-G.
Other names: c.1939T>C, p.Ser647Pro (NM_001171653.2); short protein forms S647P, S671P.
Identifiers: ClinVar variation 4998210 (VCV004998210.1).

ClinVar aggregate classification (germline): Uncertain significance (1 of 4 stars; one submission).

Conditions:
ZEB2-related disorder. Also called: ZEB2-related condition.

Submission:

PreventionGenetics, part of Exact Sciences
Classification: Uncertain significance for ZEB2-related condition. Last evaluated: 2025-07-18. Review status: criteria provided, single submitter. Criteria: ACMG Guidelines, 2015. Collection method: clinical testing. Allele origin: germline.
Comment: The ZEB2 c.2011T>C variant is predicted to result in the amino acid substitution p.Ser671Pro. To our knowledge, this variant has not been reported in the literature or in a large population database (gnomAD), indicating this variant is rare. At this time, the clinical significance of this variant is uncertain due to the absence of conclusive functional and genetic evidence.